The following is an entry in ClinVar:

NM_001384140.1(PCDH15):c.1642del (p.Ile548fs)

Gene: PCDH15 (protocadherin related 15; minus strand). Cytogenetic location: 10q21.1.
Variant type: Deletion.
Coding change: c.1642del on transcript NM_001384140.1 (MANE Select); coding-DNA position 1642, one base deleted (A; older notation c.1642delA).
Protein change: p.Ile548fs; shifts the reading frame from isoleucine 548.
Molecular consequence: frameshift variant.
Genome position (GRCh38, 1-based): chr10:54,153,242, T deleted on the plus strand (A on the coding strand, the reverse complement: PCDH15 is on the minus strand); the first of 3 consecutive T bases (chr10:54,153,242-54,153,244); deleting any one gives the same sequence. VCF-style (leftmost placement, unchanged base first): chr10-54153241-AT-A. GRCh37 (hg19) VCF-style: chr10-55913001-AT-A.
Other names: c.1657del, p.Ile553fs (NM_001142763.2, NM_001142771.2); c.1642del, p.Ile548fs (NM_001142764.2, NM_001142765.2, NM_001142766.2 and 6 more transcripts); c.1531del, p.Ile511fs (NM_001142767.2); c.1576del, p.Ile526fs (NM_001142768.2, NM_001142773.2, NM_001354404.2); c.1676delA, p.Ile560Serfs (NM_001142769.4); c.1663del, p.Ile555fs (NM_001354411.2); short protein forms I511fs, I526fs, I548fs, I553fs, I555fs, I560fs.
Identifiers: ClinVar variation 3601607 (VCV003601607.1).

ClinVar aggregate classification (germline): Pathogenic (1 of 4 stars; one submission).

Conditions:
Autosomal recessive nonsyndromic hearing loss 23. Identifiers: Orphanet 90636, MedGen C1836027, MONDO:0012293, OMIM 609533.

Submission:

Institute of Rare Diseases, West China Hospital, Sichuan University
Classification: Pathogenic for Autosomal recessive nonsyndromic hearing loss 23. Last evaluated: 2025-01-09. Review status: criteria provided, single submitter. Criteria: ClinGen HL ACMG Specifications v1. Collection method: research. Allele origin: germline. Affected: yes.
Comment: PVS1;PM3;PM2_Supporting